The following is an entry in ClinVar:

NM_004069.6(AP2S1):c.66G>C (p.Gln22His)

Gene: AP2S1 (adaptor related protein complex 2 subunit sigma 1; minus strand). Cytogenetic location: 19q13.32.
Variant type: single nucleotide variant.
Coding change: c.66G>C on transcript NM_004069.6 (MANE Select); coding-DNA position 66, G replaced by C.
Protein change: p.Gln22His; replaces glutamine 22 with histidine.
Molecular consequence: missense variant.
Genome position (GRCh38, 1-based): chr19:46,846,080, C>G on the plus strand (G>C on the coding strand, the complement: AP2S1 is on the minus strand). VCF-style: chr19-46846080-C-G. GRCh37 (hg19) VCF-style: chr19-47349337-C-G.
Other names: c.66G>C (NM_004069.3); c.114G>C, p.Gln38His (NM_001301076.3); c.66G>C, p.Gln22His (NM_001301078.3, NM_021575.5); c.72G>C, p.Gln24His (NM_001301081.3); short protein forms Q22H, Q38H, Q24H.
Identifiers: ClinVar variation 1369417 (VCV001369417.9), dbSNP rs1001192722, ClinGen allele CA309153261.

ClinVar aggregate classification (germline): Uncertain significance. Review status: criteria provided, multiple submitters, no conflicts (2 of 4 stars). 2 submissions from 2 submitters: Uncertain significance (2). Last evaluated 2025-12-11.

Conditions:
Inborn genetic diseases. Identifiers: MedGen C0950123, MeSH D030342.

Submissions (2):

Ambry Genetics
Classification: Uncertain significance for Inborn genetic diseases. Last evaluated: 2025-12-11. Review status: criteria provided, single submitter. Criteria: Ambry Variant Classification Scheme 2023. Collection method: clinical testing. Allele origin: germline.

Labcorp Genetics (formerly Invitae), Labcorp
Classification: Uncertain significance. Last evaluated: 2024-01-02. Review status: criteria provided, single submitter. Criteria: Invitae Variant Classification Sherloc (09022015). Collection method: clinical testing. Allele origin: germline.
Comment: This sequence change replaces glutamine, which is neutral and polar, with histidine, which is basic and polar, at codon 22 of the AP2S1 protein (p.Gln22His). This variant is not present in population databases (gnomAD no frequency). This variant has not been reported in the literature in individuals affected with AP2S1-related conditions. ClinVar contains an entry for this variant (Variation ID: 1369417). An algorithm developed to predict the effect of missense changes on protein structure and function (PolyPhen-2) suggests that this variant is likely to be tolerated. In summary, the available evidence is currently insufficient to determine the role of this variant in disease. Therefore, it has been classified as a Variant of Uncertain Significance.